The following is an entry in ClinVar:

ClinVar aggregate classification (germline): Uncertain significance. Review status: criteria provided, multiple submitters, no conflicts (2 of 4 stars). 3 submissions from 3 submitters: Uncertain significance (3). Last evaluated 2026-07-01.

Conditions:
Inborn genetic diseases. Identifiers: MedGen C0950123, MeSH D030342.
Myopathy, proximal, and ophthalmoplegia (CMYO6). Also called: CONGENITAL MYOPATHY 6 WITH OPHTHALMOPLEGIA; MYOPATHY WITH CONGENITAL JOINT CONTRACTURES, OPHTHALMOPLEGIA, AND RIMMED VACUOLES; INCLUSION BODY MYOPATHY 3, AUTOSOMAL DOMINANT. Identifiers: Orphanet 363677, Orphanet 79091, MedGen C1854106, MONDO:0011577, OMIM 605637.

Allele frequency attached by ClinVar (database versions not stated): gnomAD exomes below 0.00001.
gnomAD v4.1: 4 of 1,614,260 alleles (0.00025%); highest among the groups gnomAD compares: Non-Finnish European, 0.00034%; no homozygotes.

Submissions (3):

CeGaT Center for Human Genetics Tuebingen
Classification: Uncertain significance. Last evaluated: 2026-07-01. Review status: criteria provided, single submitter. Criteria: CeGaT Center For Human Genetics Tuebingen Variant Classification Criteria Version 2. Collection method: clinical testing. Allele origin: germline. Affected: yes. Observed: 1 variant allele.
Comment: MYH2: PM2, PP3

Ambry Genetics
Classification: Uncertain significance for Inborn genetic diseases. Last evaluated: 2024-08-12. Review status: criteria provided, single submitter. Criteria: Ambry Variant Classification Scheme 2023. Collection method: clinical testing. Allele origin: germline.

Labcorp Genetics (formerly Invitae), Labcorp
Classification: Uncertain significance for Myopathy, proximal, and ophthalmoplegia. Last evaluated: 2020-05-15. Review status: criteria provided, single submitter. Criteria: Invitae Variant Classification Sherloc (09022015). Collection method: clinical testing. Allele origin: germline.
Comment: In summary, the available evidence is currently insufficient to determine the role of this variant in disease. Therefore, it has been classified as a Variant of Uncertain Significance. Algorithms developed to predict the effect of missense changes on protein structure and function (SIFT, PolyPhen-2, Align-GVGD) all suggest that this variant is likely to be disruptive, but these predictions have not been confirmed by published functional studies and their clinical significance is uncertain. This variant has not been reported in the literature in individuals with MYH2-related conditions. This variant is not present in population databases (ExAC no frequency). This sequence change replaces glutamic acid with glycine at codon 1047 of the MYH2 protein (p.Glu1047Gly). The glutamic acid residue is highly conserved and there is a moderate physicochemical difference between glutamic acid and glycine.

NM_017534.6(MYH2):c.3140A>G (p.Glu1047Gly)

Genes: MYH2 (myosin heavy chain 2; minus strand), MYHAS (myosin heavy chain gene cluster antisense RNA; plus strand). Cytogenetic location: 17p13.1.
Variant type: single nucleotide variant.
Coding change: c.3140A>G on transcript NM_017534.6 (MANE Select); coding-DNA position 3140, A replaced by G.
Protein change: p.Glu1047Gly; replaces glutamic acid 1047 with glycine.
Molecular consequence: missense variant.
Genome position (GRCh38, 1-based): chr17:10,529,459, T>C on the plus strand (A>G on the coding strand, the complement: MYH2 is on the minus strand). VCF-style: chr17-10529459-T-C. GRCh37 (hg19) VCF-style: chr17-10432776-T-C.
Other names: c.3140A>G, p.Glu1047Gly (NM_001100112.2); c.3140A>G (NM_017534.5); short protein forms E1047G.
Identifiers: ClinVar variation 998408 (VCV000998408.7), dbSNP rs2073397644, ClinGen allele CA398139098.
Genomic context (GRCh38, chr17:10,529,459, plus strand): 5'-AACTTCAAGTCACCCTCAAGTTTCCTCTTAGCCCTTTCTAGGTCCATGCGAAGTTTCTTT[T>C]CTTGCTCCAAGGACCCTTCAAGCTAAATATAAATTATGTTGAATCAGAAGGAATGCTTAT-3'
Protein context (NP_060004.3, residues 1037-1057): VDDLEGSLEQ[Glu1047Gly]KKLRMDLERA